The following is an entry in ClinVar:

NM_007194.4(CHEK2):c.8G>T (p.Arg3Leu)

Gene: CHEK2 (checkpoint kinase 2; minus strand). Cytogenetic location: 22q12.1.
Variant type: single nucleotide variant.
Coding change: c.8G>T on transcript NM_007194.4 (MANE Select); coding-DNA position 8, G replaced by T.
Protein change: p.Arg3Leu; replaces arginine 3 with leucine.
Molecular consequence: missense variant.
Genome position (GRCh38, 1-based): chr22:28,734,714, C>A on the plus strand (G>T on the coding strand, the complement: CHEK2 is on the minus strand). VCF-style: chr22-28734714-C-A. GRCh37 (hg19) VCF-style: chr22-29130702-C-A.
Other names: c.8G>T, p.Arg3Leu (NM_001005735.3, NM_001349956.3, NM_145862.3); c.-770G>T (NM_001257387.3); short protein forms R3L.
Identifiers: ClinVar variation 410029 (VCV000410029.24), dbSNP rs779607427, ClinGen allele CA16616601.

ClinVar aggregate classification (germline): Uncertain significance. Review status: criteria provided, multiple submitters, no conflicts (2 of 4 stars). 9 submissions from 9 submitters: Uncertain significance (8). 1 of the submissions does not count toward it. Last evaluated 2025-12-27.

Conditions:
Hereditary cancer-predisposing syndrome. Also called: Neoplastic Syndromes, Hereditary; Tumor predisposition; Hereditary Cancer Syndrome; Hereditary neoplastic syndrome. Identifiers: Orphanet 140162, MedGen C0027672, MeSH D009386, MONDO:0015356.
CHEK2-related cancer predisposition (TPDS4). Also called: TUMOR PREDISPOSITION SYNDROME 4; CANCER PREDISPOSITION SYNDROME, CHEK2-RELATED; CHEK2-related cancer susceptibility. Identifiers: Orphanet 524, MedGen C5882668, MONDO:0700271, OMIM 609265.
Familial cancer of breast. Also called: hereditary breast carcinoma; BREAST CANCER, FAMILIAL; Hereditary breast cancer. Identifiers: Orphanet 227535, MedGen C0346153, MONDO:0016419, OMIM 114480. Disease mechanism: loss of function.
Malignant tumor of breast. Also called: Malignant breast neoplasm; Cancer breast. Identifiers: MedGen C0006142, MONDO:0007254. Disease mechanism: loss of function.

Allele frequency attached by ClinVar (database versions not stated): TOPMed 0.00001.
gnomAD v4.1: 10 of 1,612,972 alleles (0.00062%); highest among the groups gnomAD compares: African/African-American, 0.0067%; no homozygotes.

Submissions (9):

Labcorp Genetics (formerly Invitae), Labcorp
Classification: Uncertain significance for Familial cancer of breast. Last evaluated: 2025-12-27. Review status: criteria provided, single submitter. Criteria: Invitae Variant Classification Sherloc (09022015). Collection method: clinical testing. Allele origin: germline.
Comment: This sequence change replaces arginine, which is basic and polar, with leucine, which is neutral and non-polar, at codon 3 of the CHEK2 protein (p.Arg3Leu). This variant is not present in population databases (gnomAD no frequency). This variant has not been reported in the literature in individuals affected with CHEK2-related conditions. ClinVar contains an entry for this variant (Variation ID: 410029). An algorithm developed to predict the effect of missense changes on protein structure and function (PolyPhen-2) suggests that this variant is likely to be tolerated. In summary, the available evidence is currently insufficient to determine the role of this variant in disease. Therefore, it has been classified as a Variant of Uncertain Significance.

Ambry Genetics
Classification: Uncertain significance for Hereditary cancer-predisposing syndrome. Last evaluated: 2025-04-25. Review status: criteria provided, single submitter. Criteria: Ambry Variant Classification Scheme 2023. Collection method: clinical testing. Allele origin: germline.
Comment: The p.R3L variant (also known as c.8G>T), located in coding exon 1 of the CHEK2 gene, results from a G to T substitution at nucleotide position 8. The arginine at codon 3 is replaced by leucine, an amino acid with dissimilar properties. This amino acid position is well conserved in available vertebrate species. In addition, the in silico prediction for this alteration is inconclusive. Based on the available evidence, the clinical significance of this variant remains unclear.

Blueprint Genetics
Classification: Uncertain significance. Last evaluated: 2024-09-16. Review status: criteria provided, single submitter. Criteria: ACMG Guidelines, 2015. Collection method: clinical testing. Allele origin: germline.

Baylor Genetics
Classification: Uncertain significance for Familial cancer of breast. Last evaluated: 2023-11-17. Review status: criteria provided, single submitter. Criteria: ACMG Guidelines, 2015. Collection method: clinical testing. Allele origin: unknown.

Neuberg Centre For Genomic Medicine, NCGM
Classification: Uncertain significance for CHEK2-related cancer predisposition. Last evaluated: 2023-05-20. Review status: criteria provided, single submitter. Criteria: ACMG Guidelines, 2015. Collection method: clinical testing. Allele origin: germline. Inheritance: Autosomal dominant inheritance. Affected: yes.
Comment: The observed missense variant c.8G>T (p.Arg3Leu) in CHEK2 gene has not been reported previously as a pathogenic variant nor as a benign variant, to our knowledge. The p.Arg3Leu variant is absent in gnomAD Exomes. This variant has been submitted to the ClinVar database as Uncertain Significance (multiple submitters). Multiple lines of computational evidence (Polyphen - Benign, SIFT - Damaging and Mutation Taster - Disease causing) predicts conflicting evidence on protein structure and function for this variant. The amino acid change p.Arg3Leu in CHEK2 is predicted as conserved by GERP++ and PhyloP across 100 vertebrates. The amino acid Arg at position 3 is changed to a Leu changing protein sequence and it might alter its composition and physico-chemical properties. For these reasons, this variant has been classified as Variant of Uncertain Significance (VUS).

GeneDx
Classification: Uncertain significance. Last evaluated: 2023-04-07. Review status: criteria provided, single submitter. Criteria: GeneDx Variant Classification Process June 2021. Collection method: clinical testing. Allele origin: germline. Affected: yes.
Comment: Not observed at significant frequency in large population cohorts (gnomAD); In silico analysis supports that this missense variant has a deleterious effect on protein structure/function; Observed in an individual with melanoma (Pritchard et al., 2018); This variant is associated with the following publications: (PMID: 29641532)

Genetic Services Laboratory, University of Chicago
Classification: Uncertain significance. Last evaluated: 2021-02-16. Review status: criteria provided, single submitter. Criteria: ACMG Guidelines, 2015. Collection method: clinical testing. Allele origin: germline. Affected: no.

Illumina Laboratory Services, Illumina
Classification: Uncertain significance for CHEK2-Related Cancer Susceptibility. Last evaluated: 2017-04-27. Review status: criteria provided, single submitter. Criteria: ICSL Variant Classification Criteria 13 December 2019. Collection method: clinical testing. Allele origin: germline.

Department of Pathology and Laboratory Medicine, Sinai Health System
Classification: Uncertain significance for Malignant tumor of breast. Review status: no assertion criteria provided. Collection method: clinical testing. Allele origin: unknown. Affected: yes. Study: The Canadian Open Genetics Repository (COGR). Not counted in ClinVar's aggregate classification.
Comment: The CHEK2 p.Arg3Leu variant was not identified in the literature nor was it identified in the dbSNP database. The variant was identified in ClinVar (classified as uncertain significance by Invitae and Ambry Genetics). The variant was not identified in the Exome Aggregation Consortium (August 8th 2016) or the Genome Aggregation Database (Feb 27, 2017). The p.Arg3 residue is not conserved in mammals and four out of five computational analyses (PolyPhen-2, SIFT, AlignGVGD, BLOSUM, MutationTaster) do not suggest a high likelihood of impact to the protein; however, this information is not predictive enough to rule out pathogenicity. The variant occurs outside of the splicing consensus sequence and 1 of 4 in silico or computational prediction software programs (SpliceSiteFinder, MaxEntScan, NNSPLICE, GeneSplicer) predict a greater than 10% difference in splicing; this is not very predictive of pathogenicity. In summary, based on the above information, the clinical significance of this variant cannot be determined with certainty at this time. This variant is classified as a variant of uncertain significance.